The following is an entry in ClinVar:

NM_017617.5(NOTCH1):c.4971C>T (p.Ser1657=)

Gene: NOTCH1 (notch receptor 1; minus strand). Cytogenetic location: 9q34.3.
Variant type: single nucleotide variant.
Coding change: c.4971C>T on transcript NM_017617.5 (MANE Select); coding-DNA position 4971, C replaced by T.
Protein change: p.Ser1657=; no amino-acid change (serine 1657 retained).
Molecular consequence: synonymous variant.
Genome position (GRCh38, 1-based): chr9:136,504,720, G>A on the plus strand (C>T on the coding strand, the complement: NOTCH1 is on the minus strand). VCF-style: chr9-136504720-G-A. GRCh37 (hg19) VCF-style: chr9-139399172-G-A.
Other names: c.4971C>T, p.Ser1657= (LRG_1122t1).
Identifiers: ClinVar variation 241145 (VCV000241145.57), dbSNP rs367838230, ClinGen allele CA10582643.

ClinVar aggregate classification (germline): Benign/Likely benign. Review status: criteria provided, multiple submitters, no conflicts (2 of 4 stars). 5 submissions from 4 submitters: Benign (2); Likely benign (3). Last evaluated 2025-08-27.

Conditions:
Adams-Oliver syndrome 5 (AOS5). Identifiers: Orphanet 974, MedGen C4014970, MONDO:0014459, OMIM 616028.
Familial thoracic aortic aneurysm and aortic dissection (TAAD). Also called: Thoracic aortic aneurysms and dissections. Identifiers: Orphanet 91387, MedGen C4707243, MONDO:0019625.
Aortic valve disease 1 (AOVD1). Identifiers: MedGen C3887892, MONDO:0024523, OMIM 109730.

Allele frequency attached by ClinVar (database versions not stated): 1000 Genomes Project 30x 0.00016; ESP Exome Variant Server 0.00019; TOPMed 0.00028.
gnomAD v4.1: 54 of 1,540,806 alleles (0.0035%); highest among the groups gnomAD compares: African/African-American, 0.058%; no homozygotes.

Submissions (6):

Labcorp Genetics (formerly Invitae), Labcorp
Classification: Likely benign for Adams-Oliver syndrome 5. Last evaluated: 2025-08-27. Review status: criteria provided, single submitter. Criteria: Invitae Variant Classification Sherloc (09022015). Collection method: clinical testing. Allele origin: germline.

Genome-Nilou Lab
Classification: Benign for Adams-Oliver syndrome 5. Last evaluated: 2022-03-15. Review status: criteria provided, single submitter. Criteria: ACMG Guidelines, 2015. Collection method: clinical testing. Allele origin: germline. Affected: no.

Genome-Nilou Lab
Classification: Benign for Aortic valve disease 1. Last evaluated: 2022-03-15. Review status: criteria provided, single submitter. Criteria: ACMG Guidelines, 2015. Collection method: clinical testing. Allele origin: germline. Affected: no.

GeneDx
Classification: Likely benign. Last evaluated: 2020-08-03. Review status: criteria provided, single submitter. Criteria: GeneDx Variant Classification Process June 2021. Collection method: clinical testing. Allele origin: germline. Affected: yes.
Comment: This variant is associated with the following publications: (PMID: 22225590)

Ambry Genetics
Classification: Likely benign for Familial thoracic aortic aneurysm and aortic dissection. Last evaluated: 2016-02-05. Review status: criteria provided, single submitter. Criteria: Ambry Variant Classification Scheme 2023. Collection method: clinical testing. Allele origin: germline.

Dr. Peter K. Rogan Lab, Western University
No classification provided (evidence only). Condition: Malignant tumor of esophagus. Review status: no classification provided. Collection method: in vitro. Allele origin: not applicable. Functional consequence: retained intron. Not counted in ClinVar's aggregate classification.